The following is an entry in ClinVar:

NM_016120.4(RLIM):c.457G>C (p.Glu153Gln)

Gene: RLIM (ring finger protein, LIM domain interacting; minus strand). Cytogenetic location: Xq13.2.
Variant type: single nucleotide variant.
Coding change: c.457G>C on transcript NM_016120.4 (MANE Select); coding-DNA position 457, G replaced by C.
Protein change: p.Glu153Gln; replaces glutamic acid 153 with glutamine.
Molecular consequence: missense variant.
Genome position (GRCh38, 1-based): chrX:74,592,858, C>G on the plus strand (G>C on the coding strand, the complement: RLIM is on the minus strand). VCF-style: chrX-74592858-C-G. GRCh37 (hg19) VCF-style: chrX-73812693-C-G.
Other names: c.457G>C, p.Glu153Gln (NM_183353.3); short protein forms E153Q.
Identifiers: ClinVar variation 4994504 (VCV004994504.1).

ClinVar aggregate classification (germline): Uncertain significance (1 of 4 stars; one submission).

Conditions:
RLIM-related disorder. Also called: RLIM-related condition.

Submission:

PreventionGenetics, part of Exact Sciences
Classification: Uncertain significance for RLIM-related condition. Last evaluated: 2025-09-07. Review status: criteria provided, single submitter. Criteria: ACMG Guidelines, 2015. Collection method: clinical testing. Allele origin: germline.
Comment: The RLIM c.457G>C variant is predicted to result in the amino acid substitution p.Glu153Gln. To our knowledge, this variant has not been reported in the literature or in a large population database (gnomAD), indicating this variant is rare. At this time, the clinical significance of this variant is uncertain due to the absence of conclusive functional and genetic evidence.